The following is an entry in ClinVar:

ClinVar aggregate classification (germline): Uncertain significance. Review status: reviewed by expert panel (3 of 4 stars). 2 submissions from 2 submitters: Uncertain significance (1). 1 of the submissions does not count toward it. Last evaluated 2025-06-02.

Conditions:
Monogenic diabetes. Identifiers: Orphanet 183625, MedGen C3888631, MONDO:0015967.

Allele frequency attached by ClinVar (database versions not stated): TOPMed below 0.00001; gnomAD exomes 0.00001.
gnomAD v4.1: 3 of 1,613,524 alleles (0.00019%); highest among the groups gnomAD compares: Admixed American, 0.0017%; no homozygotes.

Submissions (2):

ClinGen Monogenic Diabetes Variant Curation Expert Panel
Classification: Uncertain significance for Monogenic diabetes. Last evaluated: 2025-06-02. Review status: reviewed by expert panel. Criteria: ClinGen Diabetes ACMG Specifications HNF4A V2.0.0. Collection method: curation. Allele origin: germline. Inheritance: Autosomal dominant inheritance.
Comment: The c.917A>G variant in the hepatocyte nuclear factor 4-alpha gene, HNF4A, causes an amino acid change of tyrosine to cysteine at codon 306 (p.(Tyr306Cys)) of NM_175914.5. This variant has an incomputable gnomAD v2.1.1 Grpmax filtering allele frequency due to 0 copies in the European non-Finnish subpopulation and 1 copy in any other subpopulation, thereby meeting the ClinGen MDEP threshold criteria for PM2_Supporting (ENF GrpmaxPopmax FAF <= 0.000003 and <= 2 copies in ENF and <=1 copy in any other subpopulation) (PM2_Supporting). This variant is located within the ligand-binding domain (codons 180-220 and 300-350) of HNF4A, which is defined as critical for the protein’s function by the ClinGen MDEP (PM1_Supporting). This variant is predicted to be deleterious by computational evidence, with a REVEL score of 0.713, which is greater than the MDEP VCEP threshold of 0.70 (PP3). This variant was identified in an individual(s) with diabetes; however, the calculated MODY probability is <50% (internal lab contributors). In summary, c.917A>G meets the criteria to be classified as a variant of uncertain significance for monogenic diabetes. ACMG/AMP criteria applied, as specified by the ClinGen MDEP (specification version 2.0.0, approved 10/11/2023): PM1_Supporting, PM2_Supporting, PP3.

Labcorp Genetics (formerly Invitae), Labcorp
Classification: Uncertain significance. Last evaluated: 2023-07-31. Review status: criteria provided, single submitter. Criteria: Invitae Variant Classification Sherloc (09022015). Collection method: clinical testing. Allele origin: germline. Not counted in ClinVar's aggregate classification.
Comment: In summary, the available evidence is currently insufficient to determine the role of this variant in disease. Therefore, it has been classified as a Variant of Uncertain Significance. Advanced modeling of protein sequence and biophysical properties (such as structural, functional, and spatial information, amino acid conservation, physicochemical variation, residue mobility, and thermodynamic stability) has been performed at Invitae for this missense variant, however the output from this modeling did not meet the statistical confidence thresholds required to predict the impact of this variant on HNF4A protein function. This variant has not been reported in the literature in individuals affected with HNF4A-related conditions. This variant is present in population databases (rs751457664, gnomAD 0.003%). This sequence change replaces tyrosine, which is neutral and polar, with cysteine, which is neutral and slightly polar, at codon 306 of the HNF4A protein (p.Tyr306Cys).

NM_175914.5(HNF4A):c.917A>G (p.Tyr306Cys)

Gene: HNF4A (hepatocyte nuclear factor 4 alpha; plus strand). Cytogenetic location: 20q13.12.
Variant type: single nucleotide variant.
Coding change: c.917A>G on transcript NM_175914.5 (MANE Select); coding-DNA position 917, A replaced by G.
Protein change: p.Tyr306Cys; replaces tyrosine 306 with cysteine.
Molecular consequence: missense variant.
Genome position (GRCh38, 1-based): chr20:44,424,108, A>G. VCF-style: chr20-44424108-A-G. GRCh37 (hg19) VCF-style: chr20-43052748-A-G.
Other names: NM_175914.5(HNF4A):c.917A>G; p.Tyr306Cys; c.983A>G, p.Tyr328Cys (NM_000457.6, NM_178849.3, NM_178850.3); c.917A>G, p.Tyr306Cys (NM_001030003.3, NM_001030004.3); c.962A>G, p.Tyr321Cys (NM_001258355.2); c.908A>G, p.Tyr303Cys (NM_001287182.2, NM_001287183.2, NM_001287184.2); short protein forms Y303C, Y306C, Y328C, Y321C.
Identifiers: ClinVar variation 2716683 (VCV002716683.3), dbSNP rs751457664, ClinGen allele CA315413826.